The following is an entry in ClinVar:

NM_001042492.3(NF1):c.4738G>T (p.Glu1580Ter)

Gene: NF1 (neurofibromin 1; plus strand). Cytogenetic location: 17q11.2.
Variant type: single nucleotide variant.
Coding change: c.4738G>T on transcript NM_001042492.3 (MANE Select); coding-DNA position 4738, G replaced by T.
Protein change: p.Glu1580Ter; replaces glutamic acid 1580 with a stop codon.
Molecular consequence: nonsense.
Genome position (GRCh38, 1-based): chr17:31,265,242, G>T. VCF-style: chr17-31265242-G-T. GRCh37 (hg19) VCF-style: chr17-29592260-G-T.
Other names: c.4675G>T, p.Glu1559Ter (NM_000267.4); short protein forms E1559*, E1580*.
Identifiers: ClinVar variation 976344 (VCV000976344.4), dbSNP rs2067764827, ClinGen allele CA399001174.
Genomic context (GRCh38, chr17:31,265,242, plus strand): 5'-AGTAGACAACATAAAGCCTCATAATTACTCTGTTATTTTTCTTTTAGGCATCAGGTACAT[G>T]AAAAAGAAGAATTCAAGGCTTTGAAAACGTTAAGTATTTTCTACCAAGCTGGGACTTCCA-3'

ClinVar aggregate classification (germline): Pathogenic/Likely pathogenic. Review status: criteria provided, multiple submitters, no conflicts (2 of 4 stars). 2 submissions from 2 submitters: Pathogenic (1); Likely pathogenic (1). Last evaluated 2025-12-17.

Conditions:
Neurofibromatosis, type 1 (NF1). Also called: VON RECKLINGHAUSEN DISEASE; NEUROFIBROMATOSIS, TYPE I, SOMATIC; Peripheral type neurofibromatosis; Neurofibromatosis, type I. Identifiers: Orphanet 636, MedGen C0027831, MONDO:0018975, OMIM 162200. Disease mechanism: loss of function.

Submissions (2):

Labcorp Genetics (formerly Invitae), Labcorp
Classification: Pathogenic for Neurofibromatosis, type 1. Last evaluated: 2025-12-17. Review status: criteria provided, single submitter. Criteria: Invitae Variant Classification Sherloc (09022015). Collection method: clinical testing. Allele origin: germline.
Comment: This sequence change creates a premature translational stop signal (p.Glu1559*) in the NF1 gene. It is expected to result in an absent or disrupted protein product. Loss-of-function variants in NF1 are known to be pathogenic (PMID: 10712197, 23913538). This variant is not present in population databases (gnomAD no frequency). This premature translational stop signal has been observed in individual(s) with neurofibromatosis type 1 (internal data). ClinVar contains an entry for this variant (Variation ID: 976344). For these reasons, this variant has been classified as Pathogenic.

Institute of Human Genetics, University of Leipzig Medical Center
Classification: Likely pathogenic for Neurofibromatosis, type 1. Last evaluated: 2018-08-23. Review status: criteria provided, single submitter. Criteria: ACMG Guidelines, 2015. Collection method: clinical testing. Allele origin: germline. Affected: yes. Observed: 1 variant allele.

Literature cited by the submitters: PubMed 10712197 (cited by Labcorp Genetics (formerly Invitae), Labcorp); PubMed 23913538 (cited by Labcorp Genetics (formerly Invitae), Labcorp).